The following is an entry in ClinVar:

ClinVar aggregate classification (germline): Uncertain significance (1 of 4 stars; one submission).

Conditions:
Loeys-Dietz syndrome 2 (LDS2). Also called: Marfan syndrome, type 2 (formerly); TGFBR2-Related Loeys-Dietz Syndrome; Marfan Syndrome type 2; Marfan like connective tissue disorder; MFS 2; AORTIC ANEURYSM, FAMILIAL THORACIC 3. Identifiers: Orphanet 284973, Orphanet 558, MedGen C2674574, MONDO:0012427, OMIM 610168.

Submission:

Labcorp Genetics (formerly Invitae), Labcorp
Classification: Uncertain significance for Loeys-Dietz syndrome 2. Last evaluated: 2024-04-11. Review status: criteria provided, single submitter. Criteria: Invitae Variant Classification Sherloc (09022015). Collection method: clinical testing. Allele origin: germline.
Comment: This sequence change replaces glutamic acid, which is acidic and polar, with lysine, which is basic and polar, at codon 526 of the TMPO protein (p.Glu526Lys). This variant is not present in population databases (gnomAD no frequency). This variant has not been reported in the literature in individuals affected with TMPO-related conditions. Advanced modeling of protein sequence and biophysical properties (such as structural, functional, and spatial information, amino acid conservation, physicochemical variation, residue mobility, and thermodynamic stability) performed at Invitae indicates that this missense variant is not expected to disrupt TMPO protein function with a negative predictive value of 80%. In summary, the available evidence is currently insufficient to determine the role of this variant in disease. Therefore, it has been classified as a Variant of Uncertain Significance.

NM_001032283.3(TMPO):c.565+1995G>A

Gene: TMPO (thymopoietin; plus strand). Cytogenetic location: 12q23.1.
Variant type: single nucleotide variant.
Coding change: c.565+1995G>A on transcript NM_001032283.3 (MANE Select); 1995 bases into the intron after coding-DNA position 565, G replaced by A.
Molecular consequence: intron variant. On other transcripts: missense variant (1).
Genome position (GRCh38, 1-based): chr12:98,533,833, G>A. VCF-style: chr12-98533833-G-A. GRCh37 (hg19) VCF-style: chr12-98927611-G-A.
Other names: c.1576G>A, p.Glu526Lys (NM_003276.2); c.565+1995G>A (NM_001307975.2, NM_001032284.3); short protein forms E526K.
Identifiers: ClinVar variation 2740241 (VCV002740241.3), dbSNP rs2548504418, ClinGen allele CA386153496.
Genomic context (GRCh38, chr12:98,533,833, plus strand): 5'-TGGCAGCAAGTTGACAGGCAGCTGCCTTCACTGGCATGCAAATATCCAGTTTCTTCCAGG[G>A]AGGCAACACAGATATTATCAGTTCCAAAAGTAGATGATGAAATCCTAGGGTTTATTTCTG-3'